The following is an entry in ClinVar:

ClinVar aggregate classification (germline): Conflicting classifications of pathogenicity. Review status: criteria provided, conflicting classifications (1 of 4 stars). 6 submissions from 6 submitters: Uncertain significance (1); Benign (1); Likely benign (4). Last evaluated 2026-01-19.

Conditions:
Autosomal recessive limb-girdle muscular dystrophy type 2Q (LGMDR17). Also called: MUSCULAR DYSTROPHY, LIMB-GIRDLE, AUTOSOMAL RECESSIVE 17. Identifiers: Orphanet 254361, MedGen C3150989, MONDO:0013390, OMIM 613723.
Epidermolysis bullosa simplex 5B, with muscular dystrophy (EBS5B). Also called: EPIDERMOLYSIS BULLOSA SIMPLEX AND LIMB-GIRDLE MUSCULAR DYSTROPHY; Epidermolysis bullosa simplex with muscular dystrophy. Identifiers: Orphanet 257, MedGen C2931072, MONDO:0009181, OMIM 226670.
Epidermolysis bullosa simplex with nail dystrophy (EBS5D). Identifiers: MedGen C4225309, MONDO:0014661, OMIM 616487.
Epidermolysis bullosa simplex 5C, with pyloric atresia (EBS5C). Also called: PLEC-Related Epidermolysis Bullosa with Pyloric Atresia; PLEC1-Related Epidermolysis Bullosa with Pyloric Atresia; Epidermolysis bullosa simplex with pyloric atresia. Identifiers: Orphanet 158684, MedGen C2677349, MONDO:0012807, OMIM 612138.
Epidermolysis bullosa simplex, Ogna type (EBS5A). Also called: Pidermolysis bullosa simplex 5A, Ogna type; EPIDERMOLYSIS BULLOSA SIMPLEX 5A, OGNA TYPE. Identifiers: Orphanet 79401, MedGen C0432317, MONDO:0007555, OMIM 131950.

Allele frequency attached by ClinVar (database versions not stated): gnomAD 0.00014 and 0.00016; ExAC 0.00017; gnomAD exomes 0.00017 and 0.00024; TOPMed 0.00018.
gnomAD v4.1: 370 of 1,596,192 alleles (0.023%); highest among the groups gnomAD compares: Admixed American, 0.032%; 2 homozygotes.

Submissions (6):

Labcorp Genetics (formerly Invitae), Labcorp
Classification: Likely benign for Autosomal recessive limb-girdle muscular dystrophy type 2Q; Epidermolysis bullosa simplex, Ogna type; Epidermolysis bullosa simplex with nail dystrophy; Epidermolysis bullosa simplex 5C, with pyloric atresia; Epidermolysis bullosa simplex 5B, with muscular dystrophy. Last evaluated: 2026-01-19. Review status: criteria provided, single submitter. Criteria: Invitae Variant Classification Sherloc (09022015). Collection method: clinical testing. Allele origin: germline.

Blueprint Genetics
Classification: Likely benign. Last evaluated: 2024-11-26. Review status: criteria provided, single submitter. Criteria: ACMG Guidelines, 2015. Collection method: clinical testing. Allele origin: germline.

Revvity Omics, Revvity
Classification: Benign. Last evaluated: 2024-01-19. Review status: criteria provided, single submitter. Criteria: ACMG Guidelines, 2015. Collection method: clinical testing. Allele origin: germline.

Eurofins Ntd Llc (ga)
Classification: Uncertain significance. Last evaluated: 2018-02-27. Review status: criteria provided, single submitter. Criteria: EGL ClinVar v180209 classification definitions. Collection method: clinical testing. Allele origin: germline. Observed: 5 variant alleles, 5 heterozygotes.

GeneDx
Classification: Likely benign. Last evaluated: 2017-11-07. Review status: criteria provided, single submitter. Criteria: GeneDx Variant Classification (06012015). Collection method: clinical testing. Allele origin: germline. Affected: yes.
Comment: This variant is considered likely benign or benign based on one or more of the following criteria: it is a conservative change, it occurs at a poorly conserved position in the protein, it is predicted to be benign by multiple in silico algorithms, and/or has population frequency not consistent with disease.

Athena Diagnostics
Classification: Likely benign. Last evaluated: 2017-09-22. Review status: criteria provided, single submitter. Criteria: Athena Diagnostics Criteria. Collection method: clinical testing. Allele origin: germline.

NM_201384.3(PLEC):c.4446G>A (p.Ala1482=)

Gene: PLEC (plectin; minus strand). Cytogenetic location: 8q24.3.
Variant type: single nucleotide variant.
Coding change: c.4446G>A on transcript NM_201384.3 (MANE Select); coding-DNA position 4446, G replaced by A.
Protein change: p.Ala1482=; no amino-acid change (alanine 1482 retained).
Molecular consequence: synonymous variant.
Genome position (GRCh38, 1-based): chr8:143,925,483, C>T on the plus strand (G>A on the coding strand, the complement: PLEC is on the minus strand). VCF-style: chr8-143925483-C-T. GRCh37 (hg19) VCF-style: chr8-144999651-C-T.
Other names: c.4527G>A, p.Ala1509= (NM_000445.5); c.4404G>A, p.Ala1468= (NM_201378.4); c.4380G>A, p.Ala1460= (NM_201379.3); c.4857G>A, p.Ala1619= (NM_201380.4); c.4350G>A, p.Ala1450= (NM_201381.3); c.4446G>A, p.Ala1482= (NM_201382.4); c.4458G>A, p.Ala1486= (NM_201383.3).
Identifiers: ClinVar variation 281294 (VCV000281294.20), dbSNP rs782202249, ClinGen allele CA4926655.
Genomic context (GRCh38, chr8:143,925,483, plus strand): 5'-CTGCCTCCGCAAGCGCTCGGCCTCCTCCTGCGCCTGTCGCTTTTGTGCCTCAGCCTCCTC[C>T]GCCCGTGCACGCAGTGCCTGCAGCTCCCCCTCAGCCCCGCCACGCTGGCGCTCGGTGGCC-3'
Protein context (NP_958786.1, residues 1472-1492): EGELQALRAR[Ala1482=]EEAEAQKRQA